The following is an entry in ClinVar:

NM_144643.4(SCLT1):c.144C>G (p.Asn48Lys)

Gene: SCLT1 (sodium channel and clathrin linker 1; minus strand). Cytogenetic location: 4q28.2.
Variant type: single nucleotide variant.
Coding change: c.144C>G on transcript NM_144643.4 (MANE Select); coding-DNA position 144, C replaced by G.
Protein change: p.Asn48Lys; replaces asparagine 48 with lysine.
Molecular consequence: missense variant.
Genome position (GRCh38, 1-based): chr4:129,044,010, G>C on the plus strand (C>G on the coding strand, the complement: SCLT1 is on the minus strand). VCF-style: chr4-129044010-G-C. GRCh37 (hg19) VCF-style: chr4-129965165-G-C.
Other names: c.144C>G, p.Asn48Lys (NM_001300897.2, NM_001300898.2, NM_001410807.1); short protein forms N48K.
Identifiers: ClinVar variation 4718027 (VCV004718027.1).

ClinVar aggregate classification (germline): Uncertain significance (1 of 4 stars; one submission).

gnomAD v4.1: 1 of 1,544,032 alleles (0.000065%); highest among the groups gnomAD compares: Non-Finnish European, 0.000089%; no homozygotes.

Submission:

Labcorp Genetics (formerly Invitae), Labcorp
Classification: Uncertain significance. Last evaluated: 2025-07-27. Review status: criteria provided, single submitter. Criteria: Invitae Variant Classification Sherloc (09022015). Collection method: clinical testing. Allele origin: germline.
Comment: This sequence change replaces asparagine, which is neutral and polar, with lysine, which is basic and polar, at codon 48 of the SCLT1 protein (p.Asn48Lys). This variant is not present in population databases (gnomAD no frequency). This variant has not been reported in the literature in individuals affected with SCLT1-related conditions. An algorithm developed to predict the effect of missense changes on protein structure and function (PolyPhen-2) suggests that this variant is likely to be tolerated. In summary, the available evidence is currently insufficient to determine the role of this variant in disease. Therefore, it has been classified as a Variant of Uncertain Significance.